The following is an entry in ClinVar:

NM_007254.4(PNKP):c.1559A>G (p.Glu520Gly)

Gene: PNKP (polynucleotide kinase 3'-phosphatase; minus strand). Cytogenetic location: 19q13.33.
Variant type: single nucleotide variant.
Coding change: c.1559A>G on transcript NM_007254.4 (MANE Select); coding-DNA position 1559, A replaced by G.
Protein change: p.Glu520Gly; replaces glutamic acid 520 with glycine.
Molecular consequence: missense variant.
Genome position (GRCh38, 1-based): chr19:49,861,255, T>C on the plus strand (A>G on the coding strand, the complement: PNKP is on the minus strand). VCF-style: chr19-49861255-T-C. GRCh37 (hg19) VCF-style: chr19-50364512-T-C.
Other names: short protein forms E520G.
Identifiers: ClinVar variation 285527 (VCV000285527.21), dbSNP rs886043128, ClinGen allele CA10605141.

ClinVar aggregate classification (germline): Uncertain significance. Review status: criteria provided, multiple submitters, no conflicts (2 of 4 stars). 6 submissions from 6 submitters: Uncertain significance (6). Last evaluated 2026-01-16.

Conditions:
Developmental and epileptic encephalopathy, 12 (DEE12). Identifiers: MedGen C3150988, MONDO:0013389, OMIM 613722.
Ataxia - oculomotor apraxia type 4. Identifiers: Orphanet 459033, MedGen C4225397, MONDO:0014557, OMIM 616267.
Microcephaly, seizures, and developmental delay. Identifiers: Orphanet 1934, MedGen C3150667, MONDO:0013254, OMIM 613402.
Inborn genetic diseases. Identifiers: MedGen C0950123, MeSH D030342.

Allele frequency attached by ClinVar (database versions not stated): TOPMed 0.00002; gnomAD 0.00003; gnomAD exomes 0.00004 and 0.00002.

Submissions (6):

Women's Health and Genetics/Laboratory Corporation of America, LabCorp
Classification: Uncertain significance. Last evaluated: 2026-01-16. Review status: criteria provided, single submitter. Criteria: LabCorp Variant Classification Summary - May 2015. Collection method: clinical testing. Allele origin: germline.
Comment: Variant summary: PNKP c.1559A>G (p.Glu520Gly) results in a non-conservative amino acid change in the encoded protein sequence. Algorithms developed to predict the effect of missense changes on protein structure and function are either unavailable or do not agree on the potential impact of this missense change. The variant allele was found at a frequency of 2e-05 in 250378 control chromosomes. The available data on variant occurrences in the general population are insufficient to allow any conclusion about variant significance. To our knowledge, no occurrence of c.1559A>G in individuals affected with PNKP-related conditions and no experimental evidence demonstrating its impact on protein function have been reported. ClinVar contains an entry for this variant (Variation ID: 285527). Based on the evidence outlined above, the variant was classified as uncertain significance.

Ambry Genetics
Classification: Uncertain significance for Inborn genetic diseases. Last evaluated: 2025-08-11. Review status: criteria provided, single submitter. Criteria: Ambry Variant Classification Scheme 2023. Collection method: clinical testing. Allele origin: germline.

Labcorp Genetics (formerly Invitae), Labcorp
Classification: Uncertain significance for Developmental and epileptic encephalopathy, 12. Last evaluated: 2021-08-27. Review status: criteria provided, single submitter. Criteria: Invitae Variant Classification Sherloc (09022015). Collection method: clinical testing. Allele origin: germline.
Comment: This sequence change replaces glutamic acid with glycine at codon 520 of the PNKP protein (p.Glu520Gly). The glutamic acid residue is moderately conserved and there is a moderate physicochemical difference between glutamic acid and glycine. This variant is not present in population databases (ExAC no frequency). This variant has not been reported in the literature in individuals affected with PNKP-related conditions. ClinVar contains an entry for this variant (Variation ID: 285527). Algorithms developed to predict the effect of missense changes on protein structure and function are either unavailable or do not agree on the potential impact of this missense change (SIFT: "Deleterious"; PolyPhen-2: "Benign"; Align-GVGD: "Class C0"). In summary, the available evidence is currently insufficient to determine the role of this variant in disease. Therefore, it has been classified as a Variant of Uncertain Significance.

Fulgent Genetics
Classification: Uncertain significance for Microcephaly, seizures, and developmental delay; Ataxia - oculomotor apraxia type 4. Last evaluated: 2018-10-31. Review status: criteria provided, single submitter. Criteria: ACMG Guidelines, 2015. Collection method: clinical testing. Allele origin: unknown.

Illumina Laboratory Services, Illumina
Classification: Uncertain significance for Microcephaly, seizures, and developmental delay. Last evaluated: 2018-01-12. Review status: criteria provided, single submitter. Criteria: ICSL Variant Classification Criteria 13 December 2019. Collection method: clinical testing. Allele origin: germline.

Eurofins Ntd Llc (ga)
Classification: Uncertain significance. Last evaluated: 2016-01-27. Review status: criteria provided, single submitter. Criteria: EGL Classification Definitions 2015. Collection method: clinical testing. Allele origin: germline. Observed: 1 variant allele, 1 heterozygote.